The following is an entry in ClinVar:

ClinVar aggregate classification (germline): Likely benign (1 of 4 stars; one submission).

gnomAD v4.1: 522 of 1,611,972 alleles (0.032%); highest among the groups gnomAD compares: African/African-American, 0.64%; no homozygotes.

Submission:

CeGaT Center for Human Genetics Tuebingen
Classification: Likely benign. Last evaluated: 2026-02-01. Review status: criteria provided, single submitter. Criteria: CeGaT Center For Human Genetics Tuebingen Variant Classification Criteria Version 2. Collection method: clinical testing. Allele origin: germline. Affected: yes. Observed: 1 variant allele.
Comment: NBPF20: BP4, BP7

NM_001397211.1(NBPF20):c.16890G>A (p.Val5630=)

Gene: NBPF20 (NBPF member 20; minus strand). Cytogenetic location: 1q21.1.
Variant type: single nucleotide variant.
Coding change: c.16890G>A on transcript NM_001397211.1 (MANE Select); coding-DNA position 16890, G replaced by A.
Protein change: p.Val5630=; no amino-acid change (valine 5630 retained).
Molecular consequence: synonymous variant.
Genome position (GRCh38, 1-based): chr1:145,291,574, C>T on the plus strand (G>A on the coding strand, the complement: NBPF20 is on the minus strand). VCF-style: chr1-145291574-C-T. GRCh37 (hg19) VCF-style: chr1-148251923-C-T.
Other names: c.15576G>A, p.Val5192= (NM_001278267.1).
Identifiers: ClinVar variation 4821153 (VCV004821153.4).